The following is an entry in ClinVar:

ClinVar aggregate classification (germline): Uncertain significance (1 of 4 stars; one submission).

Submission:

GeneDx
Classification: Uncertain significance. Last evaluated: 2025-07-18. Review status: criteria provided, single submitter. Criteria: GeneDx Variant Classification Process June 2021. Collection method: clinical testing. Allele origin: germline. Affected: yes.
Comment: Not observed at significant frequency in large population cohorts (gnomAD); In silico analysis suggests that this missense variant does not alter protein structure/function; Has not been previously published as pathogenic or benign to our knowledge; In silico analysis suggests this variant may impact gene splicing. In the absence of RNA/functional studies, the actual effect of this sequence change is unknown.

NM_001395159.1(UNC79):c.1994A>T (p.Glu665Val)

Gene: UNC79 (unc-79 subunit of NALCN channel complex; plus strand). Cytogenetic location: 14q32.12.
Variant type: single nucleotide variant.
Coding change: c.1994A>T on transcript NM_001395159.1 (MANE Select); coding-DNA position 1994, A replaced by T.
Protein change: p.Glu665Val; replaces glutamic acid 665 with valine.
Molecular consequence: missense variant.
Genome position (GRCh38, 1-based): chr14:93,572,740, A>T. VCF-style: chr14-93572740-A-T. GRCh37 (hg19) VCF-style: chr14-94039086-A-T.
Other names: c.1994A>T, p.Glu665Val (NM_001346218.2); c.1463A>T, p.Glu488Val (NM_020818.5); short protein forms E488V, E665V.
Identifiers: ClinVar variation 4686385 (VCV004686385.1).